The following is an entry in ClinVar:

ClinVar aggregate classification (germline): Uncertain significance (1 of 4 stars; one submission).

Conditions:
Cardiovascular phenotype. Identifiers: MedGen CN230736.

Submission:

Ambry Genetics
Classification: Uncertain significance for Cardiovascular phenotype. Last evaluated: 2025-06-22. Review status: criteria provided, single submitter. Criteria: Ambry Variant Classification Scheme 2023. Collection method: clinical testing. Allele origin: germline.
Comment: The p.P333R variant (also known as c.998C>G), located in coding exon 4 of the BAG3 gene, results from a C to G substitution at nucleotide position 998. The proline at codon 333 is replaced by arginine, an amino acid with dissimilar properties. This amino acid position is conserved. In addition, this alteration is predicted to be tolerated by in silico analysis. Based on the available evidence, the clinical significance of this variant remains unclear.

NM_004281.4(BAG3):c.998C>G (p.Pro333Arg)

Gene: BAG3 (BAG cochaperone 3; plus strand). Cytogenetic location: 10q26.11.
Variant type: single nucleotide variant.
Coding change: c.998C>G on transcript NM_004281.4 (MANE Select); coding-DNA position 998, C replaced by G.
Protein change: p.Pro333Arg; replaces proline 333 with arginine.
Molecular consequence: missense variant.
Genome position (GRCh38, 1-based): chr10:119,676,552, C>G. VCF-style: chr10-119676552-C-G. GRCh37 (hg19) VCF-style: chr10-121436064-C-G.
Other names: short protein forms P333R.
Identifiers: ClinVar variation 4192111 (VCV004192111.1).
Genomic context (GRCh38, chr10:119,676,552, plus strand): 5'-CTGTTTCCCAGCCTGAAAACAAACCAGAAAGTAAGCCAGGCCCAGTTGGACCAGAACTCC[C>G]TCCTGGACACATCCCAATTCAAGTGATCCGCAAAGAGGTGGATTCTAAACCTGTTTCCCA-3'
Protein context (NP_004272.2, residues 323-343): SKPGPVGPEL[Pro333Arg]PGHIPIQVIR